The following is an entry in ClinVar:

ClinVar aggregate classification (germline): Uncertain significance. Review status: criteria provided, multiple submitters, no conflicts (2 of 4 stars). 5 submissions from 5 submitters: Uncertain significance (5). Last evaluated 2024-12-19.

Conditions:
Brain small vessel disease 1 with or without ocular anomalies (BSVD1). Also called: BRAIN SMALL VESSEL DISEASE WITH HEMORRHAGE; Brain small vessel disease with or without ocular anomalies; PORENCEPHALY, TYPE 1, AUTOSOMAL DOMINANT; GOULD SYNDROME 1. Identifiers: Orphanet 2940, Orphanet 36383, Orphanet 99810, MedGen C4755307, MONDO:0008289, OMIM 175780.
Autosomal dominant familial hematuria-retinal arteriolar tortuosity-contractures syndrome. Also called: Angiopathy, hereditary, with nephropathy, aneurysms, and muscle cramps; Hereditary Angiopathy with Nephropathy, Aneurysms, and Muscle Cramps (HANAC) Syndrome. Identifiers: Orphanet 73229, MedGen C2673195, MONDO:0012726, OMIM 611773.
Hemorrhage, intracerebral, susceptibility to (ICH). Also called: Stroke, hemorrhagic, susceptibility to. Identifiers: MedGen C3281105, MONDO:0100533, OMIM 614519.
Microangiopathy and leukoencephalopathy, pontine, autosomal dominant. Also called: DEMENTIA, HEREDITARY MULTI-INFARCT, SWEDISH TYPE; Pontine autosomal dominant microangiopathy with leukoencephalopathy. Identifiers: Orphanet 477749, MedGen C5231411, MONDO:0032814, OMIM 618564.
Retinal arterial tortuosity. Also called: RETINAL HEMORRHAGE WITH VASCULAR TORTUOSITY; Retinal arteries, tortuosity of. Identifiers: Orphanet 75326, MedGen C0423401, MONDO:0008373, OMIM 180000, HP:0000631.

Submissions (5):

Genomic Medicine Center of Excellence, King Faisal Specialist Hospital and Research Centre
Classification: Uncertain significance for Brain small vessel disease 1 with or without ocular anomalies. Last evaluated: 2024-12-19. Review status: criteria provided, single submitter. Criteria: ACMG Guidelines, 2015. Collection method: clinical testing. Allele origin: germline.

Labcorp Genetics (formerly Invitae), Labcorp
Classification: Uncertain significance. Last evaluated: 2024-02-06. Review status: criteria provided, single submitter. Criteria: Invitae Variant Classification Sherloc (09022015). Collection method: clinical testing. Allele origin: germline.
Comment: This sequence change replaces lysine, which is basic and polar, with glutamic acid, which is acidic and polar, at codon 1120 of the COL4A1 protein (p.Lys1120Glu). This variant is not present in population databases (gnomAD no frequency). This variant has not been reported in the literature in individuals affected with COL4A1-related conditions. ClinVar contains an entry for this variant (Variation ID: 596811). An algorithm developed to predict the effect of missense changes on protein structure and function (PolyPhen-2) suggests that this variant is likely to be disruptive. In summary, the available evidence is currently insufficient to determine the role of this variant in disease. Therefore, it has been classified as a Variant of Uncertain Significance.

Fulgent Genetics
Classification: Uncertain significance for Brain small vessel disease 1 with or without ocular anomalies; Retinal arterial tortuosity; Autosomal dominant familial hematuria-retinal arteriolar tortuosity-contractures syndrome; Hemorrhage, intracerebral, susceptibility to; Microangiopathy and leukoencephalopathy, pontine, autosomal dominant. Last evaluated: 2022-02-01. Review status: criteria provided, single submitter. Criteria: ACMG Guidelines, 2015. Collection method: clinical testing. Allele origin: unknown.

Baylor Genetics
Classification: Uncertain significance for Brain small vessel disease 1 with or without ocular anomalies. Last evaluated: 2019-08-14. Review status: criteria provided, single submitter. Criteria: ACMG Guidelines, 2015. Collection method: clinical testing. Allele origin: unknown. Affected: yes.
Comment: This variant was determined to be of uncertain significance according to ACMG Guidelines, 2015 [PMID:25741868].

Eurofins Ntd Llc (ga)
Classification: Uncertain significance. Last evaluated: 2018-04-04. Review status: criteria provided, single submitter. Criteria: EGL ClinVar v180209 classification definitions. Collection method: clinical testing. Allele origin: germline. Observed: 1 variant allele, 1 heterozygote.

NM_001845.6(COL4A1):c.3358A>G (p.Lys1120Glu)

Gene: COL4A1 (collagen type IV alpha 1 chain; minus strand). Cytogenetic location: 13q34.
Variant type: single nucleotide variant.
Coding change: c.3358A>G on transcript NM_001845.6 (MANE Select); coding-DNA position 3358, A replaced by G.
Protein change: p.Lys1120Glu; replaces lysine 1120 with glutamic acid.
Molecular consequence: missense variant.
Genome position (GRCh38, 1-based): chr13:110,174,494, T>C on the plus strand (A>G on the coding strand, the complement: COL4A1 is on the minus strand). VCF-style: chr13-110174494-T-C. GRCh37 (hg19) VCF-style: chr13-110826841-T-C.
Other names: short protein forms K1120E.
Identifiers: ClinVar variation 596811 (VCV000596811.12), dbSNP rs1566349683, ClinGen allele CA388664416.